The following is an entry in ClinVar:

NM_001378743.1(CYLD):c.2215_2241+289del

Genes: CYLD (CYLD lysine 63 deubiquitinase; plus strand), CYLD-AS2 (CYLD antisense RNA 2; minus strand). Cytogenetic location: 16q12.1.
Variant type: Deletion.
Coding change: c.2215_2241+289del on transcript NM_001378743.1 (MANE Select); coding-DNA position 2215 through 289 bases into the intron after coding-DNA position 2241, 316 bases deleted.
Molecular consequence: splice donor variant.
Genome position (GRCh38, 1-based): chr16:50,791,664-50,791,979, 316 bases deleted. GRCh37 (hg19): chr16:50,825,575-50,825,890.
Other names: c.2215_2241+289del (NM_015247.3); c.2206_2232+289del (NM_001378745.1, NM_001378744.1, NM_001042355.2 and 6 more transcripts); c.2176_2202+289del (NM_001378753.1, NM_001378751.1, NM_001378752.1); c.1540_1566+289del (NM_001378754.1, NM_001378755.1).
Identifiers: ClinVar variation 3642384 (VCV003642384.2).

ClinVar aggregate classification (germline): Pathogenic (1 of 4 stars; one submission).

Submission:

Labcorp Genetics (formerly Invitae), Labcorp
Classification: Pathogenic. Last evaluated: 2024-06-17. Review status: criteria provided, single submitter. Criteria: Invitae Variant Classification Sherloc (09022015). Collection method: clinical testing. Allele origin: germline.
Comment: This variant results in the deletion of part of exon 16 (c.2215_2241+289del) of the CYLD gene. It is expected to disrupt RNA splicing. Variants that disrupt the donor or acceptor splice site typically lead to a loss of protein function (PMID: 16199547), and loss-of-function variants in CYLD are known to be pathogenic (PMID: 19462465). This variant is not present in population databases (gnomAD no frequency). This variant has not been reported in the literature in individuals affected with CYLD-related conditions. This variant disrupts a region of the CYLD protein in which other variant(s) (p.Glu747Gly) have been determined to be pathogenic (PMID: 14632188). This suggests that this is a clinically significant region of the protein, and that variants that disrupt it are likely to be disease-causing. For these reasons, this variant has been classified as Pathogenic.

Literature cited by the submitters: PubMed 16199547; PubMed 19462465; PubMed 14632188.